The following is an entry in ClinVar:

ClinVar aggregate classification (germline): Uncertain significance (0 of 4 stars; one submission).

Conditions:
PPARG-related disorder. Also called: PPARG-related disorders; PPARG-related condition.

gnomAD v4.1: 6 of 1,601,692 alleles (0.00037%); highest among the groups gnomAD compares: East Asian, 0.0022%; no homozygotes.

Submission:

PreventionGenetics, part of Exact Sciences
Classification: Uncertain significance for PPARG-related condition. Last evaluated: 2024-05-08. Review status: no assertion criteria provided. Collection method: clinical testing. Allele origin: germline.
Comment: The PPARG c.1A>G variant is predicted to disrupt the translation initiation site (Start loss). To our knowledge, this variant has not been reported in the literature. A downstream methionine codon is located at amino acid 29, and it is unknown whether protein translation is able to initiate at alternative methionine residues. This variant is reported in 0.0054% of alleles in individuals of East Asian descent in gnomAD. At this time, the clinical significance of this variant is uncertain due to the absence of conclusive functional and genetic evidence.

NM_138711.6(PPARG):c.-8-28111A>G

Gene: PPARG (peroxisome proliferator activated receptor gamma; plus strand). Cytogenetic location: 3p25.2.
Variant type: single nucleotide variant.
Coding change: c.-8-28111A>G on transcript NM_138711.6 (MANE Select); 28111 bases into the intron before 8 bases upstream of the start codon, A replaced by G.
Molecular consequence: intron variant. On other transcripts: missense variant (3), initiator codon variant (3).
Genome position (GRCh38, 1-based): chr3:12,351,593, A>G. VCF-style: chr3-12351593-A-G. GRCh37 (hg19) VCF-style: chr3-12393092-A-G.
Other names: c.1A>G, p.Met1Val (NM_001354668.2, NM_001374265.1, NM_015869.5); c.-8-28111A>G (NM_001354666.3, NM_138712.5, NM_005037.7 and 5 more transcripts); c.-435-28111A>G (NM_001354669.2); c.-9+6699A>G (NM_001374262.3); c.-2-28111A>G (NM_001374266.1, NM_001354670.2); short protein forms M1V.
Identifiers: ClinVar variation 3354506 (VCV003354506.1).
Genomic context (GRCh38, chr3:12,351,593, plus strand): 5'-TTTGCTAGATAGAGACAAAATATCAGTGTGAATTACAGCAAACCCCTATTCCATGCTGTT[A>G]TGGGTGAAACTCTGGGAGATTCTCCTATTGACCCAGAAAGCGATTCCTTCACTGATACAC-3'